The following is an entry in ClinVar:

NM_000059.4(BRCA2):c.5175T>A (p.Ala1725=)

Gene: BRCA2 (BRCA2 DNA repair associated; plus strand). Cytogenetic location: 13q13.1.
Variant type: single nucleotide variant.
Coding change: c.5175T>A on transcript NM_000059.4 (MANE Select); coding-DNA position 5175, T replaced by A.
Protein change: p.Ala1725=; no amino-acid change (alanine 1725 retained).
Molecular consequence: synonymous variant. On other transcripts: non-coding transcript variant (1), intron variant (2).
Genome position (GRCh38, 1-based): chr13:32,339,530, T>A. VCF-style: chr13-32339530-T-A. GRCh37 (hg19) VCF-style: chr13-32913667-T-A.
Other names: c.5175T>A, p.Ala1725= (NM_001406719.1, NM_001406720.1, NM_001432077.1); c.1910-5028T>A (NM_001406721.1); c.425-5028T>A (NM_001406722.1).
Identifiers: ClinVar variation 3774427 (VCV003774427.1).
Genomic context (GRCh38, chr13:32,339,530, plus strand): 5'-AAATACTGCAGATTATGTAGGAAATTATTTGTATGAAAATAATTCAAACAGTACTATAGC[T>A]GAAAATGACAAAAATCATCTCTCCGAAAAACAAGATACTTATTTAAGTAACAGTAGCATG-3'
Protein context (NP_000050.3, residues 1715-1735): LYENNSNSTI[Ala1725=]ENDKNHLSEK

ClinVar aggregate classification (germline): Likely benign (1 of 4 stars; one submission).

Conditions:
Hereditary cancer-predisposing syndrome. Also called: Tumor predisposition; Hereditary Cancer Syndrome; Neoplastic Syndromes, Hereditary; Hereditary neoplastic syndrome. Identifiers: Orphanet 140162, MedGen C0027672, MeSH D009386, MONDO:0015356.

Submission:

Molecular Diagnostics Laboratory, Catalan Institute of Oncology
Classification: Likely benign for Hereditary cancer-predisposing syndrome. Last evaluated: 2024-10-24. Review status: criteria provided, single submitter. Criteria: ClinGen BRCA1BRCA2 ACMG Specifications BRCA2 V1.0.0. Collection method: clinical testing. Allele origin: germline.
Comment: PM2_Supporting, BP1_Strong c.5175T>A, located in exon 11 of the BRCA2 gene, is predicted to result in no amino acid change, p.(Ala1725=). This position is outside a (potentially) clinically important functional domain and, moreover, the SpliceAI algorithm predicts no significant impact on splicing (BP1_strong). It is not present in the population database gnomAD v2.1.1, non cancer dataset (PM2_supporting). To our knowledge, neither relevant clinical data nor well-stablished functional studies have been reported for this variant. Also, it has not been reported neither in ClinVar, BRCA Exchange nor in LOVD databases. Based on currently available information, the variant c.5175T>A should be considered a likely benign variant according to ClinGen-BRCA2 Guidelines version v1.0.0.